The following is an entry in ClinVar:

ClinVar aggregate classification (germline): Uncertain significance (1 of 4 stars; one submission).

Conditions:
Deafness with labyrinthine aplasia, microtia, and microdontia. Also called: DEAFNESS WITH LAMM; DEAFNESS, CONGENITAL, WITH LABYRINTHINE APLASIA, MICROTIA, AND MICRODONTIA; Congenital Deafness with Inner Ear Agenesis, Microtia, and Microdontia. Identifiers: Orphanet 90024, MedGen C1853144, MONDO:0012541, OMIM 610706.

Submission:

3billion
Classification: Uncertain significance for Deafness with labyrinthine aplasia, microtia, and microdontia. Last evaluated: 2024-06-12. Review status: criteria provided, single submitter. Criteria: ACMG Guidelines, 2015. Collection method: clinical testing. Allele origin: germline. Affected: yes.
Comment: The variant is observed at an extremely low frequency in the gnomAD v4.0.0 dataset (total allele frequency: 0.001%). Predicted Consequence/Location: Missense variant In silico tool predictions suggest damaging effect of the variant on gene or gene product [3Cnet: 0.72 (>=0.6, sensitivity 0.72 and precision 0.9)]. Therefore, this variant is classified as VUS according to the recommendation of ACMG/AMP guideline.

NM_005247.4(FGF3):c.203T>C (p.Leu68Pro)

Genes: FGF3 (fibroblast growth factor 3; minus strand), LOC109115964 (FGF3 5' regulatory region; plus strand). Cytogenetic location: 11q13.3.
Variant type: single nucleotide variant.
Coding change: c.203T>C on transcript NM_005247.4 (MANE Select); coding-DNA position 203, T replaced by C.
Protein change: p.Leu68Pro; replaces leucine 68 with proline.
Molecular consequence: missense variant.
Genome position (GRCh38, 1-based): chr11:69,818,731, A>G on the plus strand (T>C on the coding strand, the complement: FGF3 is on the minus strand). VCF-style: chr11-69818731-A-G. GRCh37 (hg19) VCF-style: chr11-69633499-A-G.
Other names: short protein forms L68P.
Identifiers: ClinVar variation 4292707 (VCV004292707.1).